The following is an entry in ClinVar:

NM_006393.3(NEBL):c.241G>A (p.Gly81Ser)

Gene: NEBL (nebulette; minus strand). Cytogenetic location: 10p12.31.
Variant type: single nucleotide variant.
Coding change: c.241G>A on transcript NM_006393.3 (MANE Select); coding-DNA position 241, G replaced by A.
Protein change: p.Gly81Ser; replaces glycine 81 with serine.
Molecular consequence: missense variant. On other transcripts: intron variant (9).
Genome position (GRCh38, 1-based): chr10:20,889,862, C>T on the plus strand (G>A on the coding strand, the complement: NEBL is on the minus strand). VCF-style: chr10-20889862-C-T. GRCh37 (hg19) VCF-style: chr10-21178791-C-T.
Other names: c.249+71810G>A (NM_001377326.1, NM_001377327.1, NM_001377328.1); c.357+71810G>A (NM_213569.2, NM_001173484.2, NM_001377322.1); c.300+71810G>A (NM_001377324.1); c.291+71810G>A (NM_001377325.1); c.309+71810G>A (NM_001377323.1); short protein forms G81S.
Identifiers: ClinVar variation 657308 (VCV000657308.11), dbSNP rs369862013, ClinGen allele CA5433325.
Genomic context (GRCh38, chr10:20,889,862, plus strand): 5'-AAAAGATAAATGCAAGCCAGTTTGCAAGCTTTTGATACCTTACCTCAGAAATAAAAGCAC[C>T]GATATTTTTTACATGGTTTAGCATAGGACTGTCAGTCACAAATGTACACTTATCCTTGGA-3'
Protein context (NP_006384.1, residues 71-91): SPMLNHVKNI[Gly81Ser]AFISEAKYKG

ClinVar aggregate classification (germline): Uncertain significance. Review status: criteria provided, multiple submitters, no conflicts (2 of 4 stars). 2 submissions from 2 submitters: Uncertain significance (2). Last evaluated 2025-12-31.

Conditions:
Primary dilated cardiomyopathy (DCM). Also called: Dilated Cardiomyopathy. Identifiers: Orphanet 217604, MedGen C0007193, MeSH D002311, MONDO:0005021, HP:0001644. Inheritance: Various modes of inheritance.

Allele frequency attached by ClinVar (database versions not stated): gnomAD 0.00004 and 0.00005; TOPMed 0.00006; ExAC 0.00007; ESP Exome Variant Server 0.00008.
gnomAD v4.1: 58 of 1,610,150 alleles (0.0036%); highest among the groups gnomAD compares: South Asian, 0.027%; no homozygotes.

Submissions (2):

Labcorp Genetics (formerly Invitae), Labcorp
Classification: Uncertain significance for Primary dilated cardiomyopathy. Last evaluated: 2025-12-31. Review status: criteria provided, single submitter. Criteria: Invitae Variant Classification Sherloc (09022015). Collection method: clinical testing. Allele origin: germline.
Comment: This sequence change replaces glycine, which is neutral and non-polar, with serine, which is neutral and polar, at codon 81 of the NEBL protein (p.Gly81Ser). This variant is present in population databases (rs369862013, gnomAD 0.02%). This variant has not been reported in the literature in individuals affected with NEBL-related conditions. ClinVar contains an entry for this variant (Variation ID: 657308). An algorithm developed to predict the effect of missense changes on protein structure and function outputs the following: PolyPhen-2: "Benign". The serine amino acid residue is found in multiple mammalian species, which suggests that this missense change does not adversely affect protein function. In summary, the available evidence is currently insufficient to determine the role of this variant in disease. Therefore, it has been classified as a Variant of Uncertain Significance.

Ambry Genetics
Classification: Uncertain significance. Last evaluated: 2025-01-09. Review status: criteria provided, single submitter. Criteria: Ambry Variant Classification Scheme 2023. Collection method: clinical testing. Allele origin: germline.